The following is an entry in ClinVar:

NM_002098.6(GUCA1B):c.110T>A (p.Leu37His)

Gene: GUCA1B (guanylate cyclase activator 1B; minus strand). Cytogenetic location: 6p21.1.
Variant type: single nucleotide variant.
Coding change: c.110T>A on transcript NM_002098.6 (MANE Select); coding-DNA position 110, T replaced by A.
Protein change: p.Leu37His; replaces leucine 37 with histidine.
Molecular consequence: missense variant.
Genome position (GRCh38, 1-based): chr6:42,194,711, A>T on the plus strand (T>A on the coding strand, the complement: GUCA1B is on the minus strand). VCF-style: chr6-42194711-A-T. GRCh37 (hg19) VCF-style: chr6-42162449-A-T.
Other names: c.110T>A (NM_002098.5); short protein forms L37H.
Identifiers: ClinVar variation 1058828 (VCV001058828.10), dbSNP rs373492502, ClinGen allele CA3805649.

ClinVar aggregate classification (germline): Uncertain significance. Review status: criteria provided, multiple submitters, no conflicts (2 of 4 stars). 2 submissions from 2 submitters: Uncertain significance (2). Last evaluated 2025-11-10.

Allele frequency attached by ClinVar (database versions not stated): gnomAD exomes 0.00001 and 0.00004; ExAC 0.00005; gnomAD 0.00007 and 0.00009; TOPMed 0.00009; ESP Exome Variant Server 0.00015.
gnomAD v4.1: 26 of 1,613,298 alleles (0.0016%); highest among the groups gnomAD compares: African/African-American, 0.031%; no homozygotes.

Submissions (2):

Labcorp Genetics (formerly Invitae), Labcorp
Classification: Uncertain significance. Last evaluated: 2025-11-10. Review status: criteria provided, single submitter. Criteria: Invitae Variant Classification Sherloc (09022015). Collection method: clinical testing. Allele origin: germline.
Comment: This sequence change replaces leucine, which is neutral and non-polar, with histidine, which is basic and polar, at codon 37 of the GUCA1B protein (p.Leu37His). This variant is present in population databases (rs373492502, gnomAD 0.05%). This variant has not been reported in the literature in individuals affected with GUCA1B-related conditions. ClinVar contains an entry for this variant (Variation ID: 1058828). An algorithm developed to predict the effect of missense changes on protein structure and function (PolyPhen-2) suggests that this variant is likely to be disruptive. In summary, the available evidence is currently insufficient to determine the role of this variant in disease. Therefore, it has been classified as a Variant of Uncertain Significance.

Ambry Genetics
Classification: Uncertain significance. Last evaluated: 2024-10-08. Review status: criteria provided, single submitter. Criteria: Ambry Variant Classification Scheme 2023. Collection method: clinical testing. Allele origin: germline.